The following is an entry in ClinVar:

ClinVar aggregate classification (germline): Uncertain significance (1 of 4 stars; one submission).

Conditions:
Charcot-Marie-Tooth disease dominant intermediate B (CMTDIB). Also called: CHARCOT-MARIE-TOOTH NEUROPATHY, DOMINANT INTERMEDIATE B; Charcot-Marie-Tooth disease dominant intermediate 1; CMT DI1; Charcot-Marie-Tooth disease dominant intermediate I. Identifiers: Orphanet 100044, Orphanet 228179, MedGen C1847902, MONDO:0011674, OMIM 606482.

Submission:

Labcorp Genetics (formerly Invitae), Labcorp
Classification: Uncertain significance for Charcot-Marie-Tooth disease dominant intermediate B. Last evaluated: 2021-09-05. Review status: criteria provided, single submitter. Criteria: Invitae Variant Classification Sherloc (09022015). Collection method: clinical testing. Allele origin: germline.
Comment: Algorithms developed to predict the effect of missense changes on protein structure and function are either unavailable or do not agree on the potential impact of this missense change (SIFT: "Deleterious"; PolyPhen-2: "Probably Damaging"; Align-GVGD: "Class C0"). This variant has not been reported in the literature in individuals affected with DNM2-related conditions. This variant is not present in population databases (ExAC no frequency). This sequence change replaces leucine with methionine at codon 224 of the DNM2 protein (p.Leu224Met). The leucine residue is highly conserved and there is a small physicochemical difference between leucine and methionine. In summary, the available evidence is currently insufficient to determine the role of this variant in disease. Therefore, it has been classified as a Variant of Uncertain Significance.

NM_001005361.3(DNM2):c.670T>A (p.Leu224Met)

Gene: DNM2 (dynamin 2; plus strand). Cytogenetic location: 19p13.2.
Variant type: single nucleotide variant.
Coding change: c.670T>A on transcript NM_001005361.3 (MANE Select); coding-DNA position 670, T replaced by A.
Protein change: p.Leu224Met; replaces leucine 224 with methionine.
Molecular consequence: missense variant.
Genome position (GRCh38, 1-based): chr19:10,777,198, T>A. VCF-style: chr19-10777198-T-A. GRCh37 (hg19) VCF-style: chr19-10887874-T-A.
Other names: c.670T>A, p.Leu224Met (NM_001005360.3, NM_001005362.3, NM_001190716.2 and 1 more transcripts); short protein forms L224M.
Identifiers: ClinVar variation 1517679 (VCV001517679.6), dbSNP rs2145929613, ClinGen allele CA404043548.
Genomic context (GRCh38, chr19:10,777,198, plus strand): 5'-ATCACCAAGCTTGACCTGATGGACGAGGGCACCGACGCCAGGGACGTCTTGGAGAACAAG[T>A]TGCTCCCGTTGAGAAGAGGTGTGGCTTTGGGGGTGCTGGGGAAGCAGGAGGATGGGTGGG-3'
Protein context (NP_001005361.1, residues 214-234): TDARDVLENK[Leu224Met]LPLRRGYIGV